The following is an entry in ClinVar:

ClinVar aggregate classification (germline): Pathogenic (1 of 4 stars; one submission).

Submission:

Labcorp Genetics (formerly Invitae), Labcorp
Classification: Pathogenic. Last evaluated: 2022-07-05. Review status: criteria provided, single submitter. Criteria: Invitae Variant Classification Sherloc (09022015). Collection method: clinical testing. Allele origin: germline.
Comment: For these reasons, this variant has been classified as Pathogenic. This variant disrupts a region of the ASXL1 protein in which other variant(s) (p.Glu1400*) have been determined to be pathogenic (PMID: 31969346). This suggests that this is a clinically significant region of the protein, and that variants that disrupt it are likely to be disease-causing. This variant has not been reported in the literature in individuals affected with ASXL1-related conditions. This variant is not present in population databases (gnomAD no frequency). This sequence change creates a premature translational stop signal (p.Gly996Valfs*28) in the ASXL1 gene. While this is not anticipated to result in nonsense mediated decay, it is expected to disrupt the last 546 amino acid(s) of the ASXL1 protein.

Literature cited by the submitters: PubMed 31969346.

NM_015338.6(ASXL1):c.2987del (p.Gly996fs)

Gene: ASXL1 (ASXL transcriptional regulator 1; plus strand). Cytogenetic location: 20q11.21.
Variant type: Deletion.
Coding change: c.2987del on transcript NM_015338.6 (MANE Select); coding-DNA position 2987, one base deleted (G; older notation c.2987delG).
Protein change: p.Gly996fs; shifts the reading frame from glycine 996.
Molecular consequence: frameshift variant.
Genome position (GRCh38, 1-based): chr20:32,435,699, G deleted; the last of 2 consecutive G bases (chr20:32,435,698-32,435,699); deleting either gives the same sequence. VCF-style (leftmost placement, unchanged base first): chr20-32435697-CG-C. GRCh37 (hg19) VCF-style: chr20-31023500-CG-C.
Other names: c.2804del, p.Gly935fs (NM_001363734.1); short protein forms G935fs, G996fs.
Identifiers: ClinVar variation 2014166 (VCV002014166.4), dbSNP rs2515574798, ClinGen allele CA2577366241.
Genomic context (GRCh38, chr20:32,435,697, plus strand): 5'-TCAACAGGTGGACATTGAAAAGCTGAAAATCAACGGAGACTCTGAAGCACTGAGTCCTCA[CG>C]GTGAGTCCACGGATACAGCCTCTGACTTTGAAGGTCACCTCACGGAGGACAGCAGTGAGG-3'